The following is an entry in ClinVar:

NM_001848.3(COL6A1):c.185T>G (p.Val62Gly)

Gene: COL6A1 (collagen type VI alpha 1 chain; plus strand). Cytogenetic location: 21q22.3.
Variant type: single nucleotide variant.
Coding change: c.185T>G on transcript NM_001848.3 (MANE Select); coding-DNA position 185, T replaced by G.
Protein change: p.Val62Gly; replaces valine 62 with glycine.
Molecular consequence: missense variant.
Genome position (GRCh38, 1-based): chr21:45,982,721, T>G. VCF-style: chr21-45982721-T-G. GRCh37 (hg19) VCF-style: chr21-47402635-T-G.
Other names: short protein forms V62G.
Identifiers: ClinVar variation 651401 (VCV000651401.10), dbSNP rs1603589342, ClinGen allele CA410514731.

ClinVar aggregate classification (germline): Uncertain significance. Review status: criteria provided, multiple submitters, no conflicts (2 of 4 stars). 2 submissions from 2 submitters: Uncertain significance (2). Last evaluated 2025-07-12.

Conditions:
Bethlem myopathy 1A. Also called: Bethlem Muscular Dystrophy; Bethlem myopathy 1; MYOPATHY, BENIGN CONGENITAL, WITH CONTRACTURES. Identifiers: Orphanet 610, MedGen CN029274, MONDO:0024530, OMIM 158810.

Submissions (2):

Dasa
Classification: Uncertain significance. Last evaluated: 2025-07-12. Review status: criteria provided, single submitter. Criteria: DASA Assertion Criteria. Collection method: clinical testing. Allele origin: germline.
Comment: NM_001848.3(COL6A1):c.185T>G (p.Val62Gly) is a missense variant that results in the substitution of valine with glycine. Multiple computational predictions support a deleterious effect on the gene or gene product. The variant is present at low frequency in population datasets. Based on the available data, this variant is classified as variant of uncertain significance.

Labcorp Genetics (formerly Invitae), Labcorp
Classification: Uncertain significance for Bethlem myopathy 1A. Last evaluated: 2022-07-12. Review status: criteria provided, single submitter. Criteria: Invitae Variant Classification Sherloc (09022015). Collection method: clinical testing. Allele origin: germline.
Comment: In summary, the available evidence is currently insufficient to determine the role of this variant in disease. Therefore, it has been classified as a Variant of Uncertain Significance. Advanced modeling of protein sequence and biophysical properties (such as structural, functional, and spatial information, amino acid conservation, physicochemical variation, residue mobility, and thermodynamic stability) performed at Invitae indicates that this missense variant is expected to disrupt COL6A1 protein function. ClinVar contains an entry for this variant (Variation ID: 651401). This variant has not been reported in the literature in individuals affected with COL6A1-related conditions. This variant is not present in population databases (gnomAD no frequency). This sequence change replaces valine, which is neutral and non-polar, with glycine, which is neutral and non-polar, at codon 62 of the COL6A1 protein (p.Val62Gly).